The following is an entry in ClinVar:

NM_212482.4(FN1):c.587T>A (p.Val196Glu)

Gene: FN1 (fibronectin 1; minus strand). Cytogenetic location: 2q35.
Variant type: single nucleotide variant.
Coding change: c.587T>A on transcript NM_212482.4 (MANE Select); coding-DNA position 587, T replaced by A.
Protein change: p.Val196Glu; replaces valine 196 with glutamic acid.
Molecular consequence: missense variant.
Genome position (GRCh38, 1-based): chr2:215,430,813, A>T on the plus strand (T>A on the coding strand, the complement: FN1 is on the minus strand). VCF-style: chr2-215430813-A-T. GRCh37 (hg19) VCF-style: chr2-216295536-A-T.
Other names: c.587T>A, p.Val196Glu (NM_001306129.2, NM_001306130.2, NM_001306131.2 and 14 more transcripts); c.587T>A (NM_212482.1); short protein forms V196E.
Identifiers: ClinVar variation 1371207 (VCV001371207.10), dbSNP rs758442993, ClinGen allele CA2095512.
Genomic context (GRCh38, chr2:215,430,813, plus strand): 5'-AGGCAAGTACAATCTACCATCATCCAGCCTTGGTAGGGCTTCTCCCACGTTTCTCCGACC[A>T]CATAGGAAGTCCCAGCAGCATGATCAAAACACTTCTCAGCTGTAGGGAAATTTGGAAGAA-3'
Protein context (NP_997647.2, residues 186-206): CFDHAAGTSY[Val196Glu]VGETWEKPYQ

ClinVar aggregate classification (germline): Conflicting classifications of pathogenicity. Review status: criteria provided, conflicting classifications (1 of 4 stars). 3 submissions from 3 submitters: Uncertain significance (2); Likely benign (1). Last evaluated 2024-11-09.

Conditions:
Inborn genetic diseases. Identifiers: MedGen C0950123, MeSH D030342.
Glomerulopathy with fibronectin deposits 2 (GFND2). Identifiers: Orphanet 84090, MedGen C1866075, MONDO:0011165, OMIM 601894.
Spondylometaphyseal dysplasia - Sutcliffe type. Also called: Spondylometaphyseal dysplasia, 'corner fracture' type; Spondylometaphyseal Dysplasia, Corner Fracture Type; Sutcliffe type of spondylometaphyseal dysplasia; Sutcliffe SMD. Identifiers: Orphanet 93315, MedGen C0432221, MONDO:0008479, OMIM 184255.

Allele frequency attached by ClinVar (database versions not stated): ExAC 0.00001; gnomAD 0.00002; gnomAD exomes 0.00002 and 0.00004; TOPMed 0.00004.
gnomAD v4.1: 63 of 1,614,072 alleles (0.0039%); highest among the groups gnomAD compares: Non-Finnish European, 0.0052%; no homozygotes.

Submissions (3):

Ambry Genetics
Classification: Likely benign for Inborn genetic diseases. Last evaluated: 2024-11-09. Review status: criteria provided, single submitter. Criteria: Ambry Variant Classification Scheme 2023. Collection method: clinical testing. Allele origin: germline.

Labcorp Genetics (formerly Invitae), Labcorp
Classification: Uncertain significance. Last evaluated: 2024-08-21. Review status: criteria provided, single submitter. Criteria: Invitae Variant Classification Sherloc (09022015). Collection method: clinical testing. Allele origin: germline.
Comment: This sequence change replaces valine, which is neutral and non-polar, with glutamic acid, which is acidic and polar, at codon 196 of the FN1 protein (p.Val196Glu). This variant is present in population databases (rs758442993, gnomAD 0.003%). This variant has not been reported in the literature in individuals affected with FN1-related conditions. ClinVar contains an entry for this variant (Variation ID: 1371207). Invitae Evidence Modeling of protein sequence and biophysical properties (such as structural, functional, and spatial information, amino acid conservation, physicochemical variation, residue mobility, and thermodynamic stability) indicates that this missense variant is expected to disrupt FN1 protein function with a positive predictive value of 80%. In summary, the available evidence is currently insufficient to determine the role of this variant in disease. Therefore, it has been classified as a Variant of Uncertain Significance.

Fulgent Genetics
Classification: Uncertain significance for Spondylometaphyseal dysplasia - Sutcliffe type; Glomerulopathy with fibronectin deposits 2. Last evaluated: 2024-06-05. Review status: criteria provided, single submitter. Criteria: ACMG Guidelines, 2015. Collection method: clinical testing. Allele origin: germline.